The following is an entry in ClinVar:

ClinVar aggregate classification (germline): Uncertain significance (1 of 4 stars; one submission).

Conditions:
LEOPARD syndrome 1 (LPRD1). Also called: PTPN11-Related LEOPARD Syndrome; LENTIGINOSIS, CARDIOMYOPATHIC; MULTIPLE LENTIGINES SYNDROME. Identifiers: Orphanet 500, MedGen C4551484, MONDO:0100082, OMIM 151100.

Submission:

Baylor Genetics
Classification: Uncertain significance for LEOPARD syndrome 1. Last evaluated: 2018-01-27. Review status: criteria provided, single submitter. Criteria: ACMG Guidelines, 2015. Collection method: clinical testing. Allele origin: maternal. Affected: yes.
Comment: This variant was determined to be of uncertain significance according to ACMG Guidelines, 2015 [PMID:25741868].

NM_002834.5(PTPN11):c.1678C>G (p.Leu560Val)

Gene: PTPN11 (protein tyrosine phosphatase non-receptor type 11; plus strand). Cytogenetic location: 12q24.13.
Variant type: single nucleotide variant.
Coding change: c.1678C>G on transcript NM_002834.5 (MANE Select); coding-DNA position 1678, C replaced by G.
Protein change: p.Leu560Val; replaces leucine 560 with valine.
Molecular consequence: missense variant.
Genome position (GRCh38, 1-based): chr12:112,502,222, C>G. VCF-style: chr12-112502222-C-G. GRCh37 (hg19) VCF-style: chr12-112940026-C-G.
Other names: c.1690C>G, p.Leu564Val (NM_001330437.2); c.1675C>G, p.Leu559Val (NM_001374625.1); short protein forms L560V, L559V, L564V.
Identifiers: ClinVar variation 1032850 (VCV001032850.1), dbSNP rs397516797, ClinGen allele CA386783498.